The following is an entry in ClinVar:

ClinVar aggregate classification (germline): Uncertain significance (1 of 4 stars; one submission).

Allele frequency attached by ClinVar (database versions not stated): gnomAD exomes below 0.00001.
gnomAD v4.1: 3 of 1,551,546 alleles (0.00019%); highest among the groups gnomAD compares: Non-Finnish European, 0.00017%; no homozygotes.

Submission:

Labcorp Genetics (formerly Invitae), Labcorp
Classification: Uncertain significance. Last evaluated: 2022-02-27. Review status: criteria provided, single submitter. Criteria: Invitae Variant Classification Sherloc (09022015). Collection method: clinical testing. Allele origin: germline.
Comment: This sequence change replaces isoleucine, which is neutral and non-polar, with threonine, which is neutral and polar, at codon 564 of the ZYG11A protein (p.Ile564Thr). This variant is not present in population databases (gnomAD no frequency). This variant has not been reported in the literature in individuals affected with ZYG11A-related conditions. Algorithms developed to predict the effect of missense changes on protein structure and function (SIFT, PolyPhen-2, Align-GVGD) all suggest that this variant is likely to be tolerated. In summary, the available evidence is currently insufficient to determine the role of this variant in disease. Therefore, it has been classified as a Variant of Uncertain Significance.

NM_001004339.3(ZYG11A):c.1691T>C (p.Ile564Thr)

Gene: ZYG11A (zyg-11 family member A, cell cycle regulator; plus strand). Cytogenetic location: 1p32.3.
Variant type: single nucleotide variant.
Coding change: c.1691T>C on transcript NM_001004339.3 (MANE Select); coding-DNA position 1691, T replaced by C.
Protein change: p.Ile564Thr; replaces isoleucine 564 with threonine.
Molecular consequence: missense variant.
Genome position (GRCh38, 1-based): chr1:52,877,830, T>C. VCF-style: chr1-52877830-T-C. GRCh37 (hg19) VCF-style: chr1-53343502-T-C.
Other names: c.665T>C, p.Ile222Thr (NM_001307931.2); short protein forms I564T, I222T.
Identifiers: ClinVar variation 2055406 (VCV002055406.4), dbSNP rs1646288822, ClinGen allele CA340378538.
Genomic context (GRCh38, chr1:52,877,830, plus strand): 5'-CAGATGGGTCTCCAGCTGCCTGCAAGCACTTCATTGAAAATCAAGGATTGCAAATCTTCA[T>C]CCAAGTCTTGGAGGTGGGAAGACAGGATTGAGTTTATATGTAAAGTTCTTCTCTTCATGA-3'
Protein context (NP_001004339.2, residues 554-574): FIENQGLQIF[Ile564Thr]QVLETFSESA